The following is an entry in ClinVar:

NM_000455.5(STK11):c.772G>A (p.Asp258Asn)

Gene: STK11 (serine/threonine kinase 11; plus strand). Cytogenetic location: 19p13.3.
Variant type: single nucleotide variant.
Coding change: c.772G>A on transcript NM_000455.5 (MANE Select); coding-DNA position 772, G replaced by A.
Protein change: p.Asp258Asn; replaces aspartic acid 258 with asparagine.
Molecular consequence: missense variant.
Genome position (GRCh38, 1-based): chr19:1,221,250, G>A. VCF-style: chr19-1221250-G-A. GRCh37 (hg19) VCF-style: chr19-1221249-G-A.
Other names: short protein forms D258N.
Identifiers: ClinVar variation 827226 (VCV000827226.6), dbSNP rs1599927600, ClinGen allele CA402950438.

ClinVar aggregate classification (germline): Uncertain significance. Review status: criteria provided, multiple submitters, no conflicts (2 of 4 stars). 2 submissions from 2 submitters: Uncertain significance (2). Last evaluated 2026-01-26.

Conditions:
Peutz-Jeghers syndrome (PJS). Also called: Peutz-Jeghers polyposis; Periorificial lentiginosis syndrome; POLYPOSIS, HAMARTOMATOUS INTESTINAL; POLYPS-AND-SPOTS SYNDROME. Identifiers: Orphanet 2869, MedGen C0031269, MeSH D010580, MONDO:0008280, OMIM 175200.
Hereditary cancer-predisposing syndrome. Also called: Neoplastic Syndromes, Hereditary; Hereditary Cancer Syndrome; Hereditary neoplastic syndrome; Tumor predisposition. Identifiers: Orphanet 140162, MedGen C0027672, MeSH D009386, MONDO:0015356.

Submissions (2):

Labcorp Genetics (formerly Invitae), Labcorp
Classification: Uncertain significance for Peutz-Jeghers syndrome. Last evaluated: 2026-01-26. Review status: criteria provided, single submitter. Criteria: Invitae Variant Classification Sherloc (09022015). Collection method: clinical testing. Allele origin: germline.
Comment: This sequence change replaces aspartic acid, which is acidic and polar, with asparagine, which is neutral and polar, at codon 258 of the STK11 protein (p.Asp258Asn). This variant is not present in population databases (gnomAD no frequency). This variant has not been reported in the literature in individuals affected with STK11-related conditions. ClinVar contains an entry for this variant (Variation ID: 827226). Invitae Evidence Modeling of protein sequence and biophysical properties (such as structural, functional, and spatial information, amino acid conservation, physicochemical variation, residue mobility, and thermodynamic stability) has been performed for this missense variant. However, the output from this modeling did not meet the statistical confidence thresholds required to predict the impact of this variant on STK11 protein function. In summary, the available evidence is currently insufficient to determine the role of this variant in disease. Therefore, it has been classified as a Variant of Uncertain Significance.

Ambry Genetics
Classification: Uncertain significance for Hereditary cancer-predisposing syndrome. Last evaluated: 2018-04-04. Review status: criteria provided, single submitter. Criteria: Ambry Variant Classification Scheme 2023. Collection method: clinical testing. Allele origin: germline.
Comment: The p.D258N variant (also known as c.772G>A), located in coding exon 6 of the STK11 gene, results from a G to A substitution at nucleotide position 772. The aspartic acid at codon 258 is replaced by asparagine, an amino acid with highly similar properties. This amino acid position is highly conserved in available vertebrate species. In addition, this alteration is predicted to be tolerated by in silico analysis. Since supporting evidence is limited at this time, the clinical significance of this alteration remains unclear.